The following is an entry in ClinVar:

ClinVar aggregate classification (germline): Benign/Likely benign. Review status: criteria provided, multiple submitters, no conflicts (2 of 4 stars). 11 submissions from 11 submitters: Benign (6); Likely benign (3). 2 of the submissions do not count toward it. Last evaluated 2026-07-01.

Conditions:
Luscan-Lumish syndrome. Identifiers: Orphanet 597738, MedGen C4085873, MONDO:0014791, OMIM 616831.

Allele frequency attached by ClinVar (database versions not stated): 1000 Genomes Project 30x 0.00031; 1000 Genomes Project 0.00040; gnomAD exomes 0.00102 and 0.00148; ExAC 0.00106; gnomAD 0.00110 and 0.00131; TOPMed 0.00137; ESP Exome Variant Server 0.00154.
gnomAD v4.1: 2,340 of 1,614,030 alleles (0.14%); highest among the groups gnomAD compares: Non-Finnish European, 0.18%; 4 homozygotes.

Submissions (11):

CeGaT Center for Human Genetics Tuebingen
Classification: Likely benign. Last evaluated: 2026-07-01. Review status: criteria provided, single submitter. Criteria: CeGaT Center For Human Genetics Tuebingen Variant Classification Criteria Version 2. Collection method: clinical testing. Allele origin: germline. Affected: yes. Observed: 11 variant alleles.
Comment: SETD2: BP4, BP7, BS1

Labcorp Genetics (formerly Invitae), Labcorp
Classification: Benign for Luscan-Lumish syndrome. Last evaluated: 2026-01-12. Review status: criteria provided, single submitter. Criteria: Invitae Variant Classification Sherloc (09022015). Collection method: clinical testing. Allele origin: germline.

Athena Diagnostics
Classification: Benign. Last evaluated: 2024-12-31. Review status: criteria provided, single submitter. Criteria: Athena Diagnostics Criteria. Collection method: clinical testing. Allele origin: unknown.
Comment: The frequency of this variant in the general population is higher than would generally be expected for pathogenic variants in this gene. Computational tools yielded predictions that this variant is unlikely to have an effect on normal RNA splicing. This nucleotide position exhibits low evolutionary conservation.

Blueprint Genetics
Classification: Likely benign. Last evaluated: 2024-11-19. Review status: criteria provided, single submitter. Criteria: ACMG Guidelines, 2015. Collection method: clinical testing. Allele origin: germline.

Women's Health and Genetics/Laboratory Corporation of America, LabCorp
Classification: Benign. Last evaluated: 2024-02-09. Review status: criteria provided, single submitter. Criteria: LabCorp Variant Classification Summary - May 2015. Collection method: clinical testing. Allele origin: germline.
Comment: Variant summary: SETD2 c.3567C>T alters a non-conserved nucleotide resulting in a synonymous change. Consensus agreement among computation tools predict no significant impact on normal splicing. However, these predictions have yet to be confirmed by functional studies. The variant allele was found at a frequency of 0.001 in 251026 control chromosomes. To our knowledge, no occurrence of c.3567C>T in individuals affected with Luscan-Lumish Syndrome and no experimental evidence demonstrating its impact on protein function have been reported. ClinVar contains an entry for this variant (Variation ID: 475514). Based on the evidence outlined above, the variant was classified as benign.

Genome-Nilou Lab
Classification: Benign for Luscan-Lumish syndrome. Last evaluated: 2022-03-15. Review status: criteria provided, single submitter. Criteria: ACMG Guidelines, 2015. Collection method: clinical testing. Allele origin: germline. Affected: no.

GeneDx
Classification: Benign. Last evaluated: 2020-01-20. Review status: criteria provided, single submitter. Criteria: GeneDx Variant Classification Process June 2021. Collection method: clinical testing. Allele origin: germline. Affected: yes.

Genetic Services Laboratory, University of Chicago
Classification: Benign. Last evaluated: 2018-04-05. Review status: criteria provided, single submitter. Criteria: ACMG Guidelines, 2015. Collection method: clinical testing. Allele origin: germline. Affected: no.

Breakthrough Genomics
Classification: Likely benign. Review status: criteria provided, single submitter. Criteria: ACMG Guidelines, 2015. Collection method: not provided. Allele origin: germline. Inheritance: Autosomal dominant inheritance. Affected: yes.

Clinical Genetics DNA and cytogenetics Diagnostics Lab, Erasmus MC, Erasmus Medical Center
Classification: Likely benign. Review status: no assertion criteria provided. Collection method: clinical testing. Allele origin: germline. Affected: yes. Study: VKGL Data-share Consensus. Not counted in ClinVar's aggregate classification.

Laboratory of Diagnostic Genome Analysis, Leiden University Medical Center (LUMC)
Classification: Benign. Review status: no assertion criteria provided. Collection method: clinical testing. Allele origin: germline. Affected: yes. Study: VKGL Data-share Consensus. Not counted in ClinVar's aggregate classification.

NM_014159.7(SETD2):c.3567C>T (p.Thr1189=)

Gene: SETD2 (SET domain containing 2, histone lysine methyltransferase; minus strand). Cytogenetic location: 3p21.31.
Variant type: single nucleotide variant.
Coding change: c.3567C>T on transcript NM_014159.7 (MANE Select); coding-DNA position 3567, C replaced by T.
Protein change: p.Thr1189=; no amino-acid change (threonine 1189 retained).
Molecular consequence: synonymous variant. On other transcripts: non-coding transcript variant (1).
Genome position (GRCh38, 1-based): chr3:47,121,069, G>A on the plus strand (C>T on the coding strand, the complement: SETD2 is on the minus strand). VCF-style: chr3-47121069-G-A. GRCh37 (hg19) VCF-style: chr3-47162559-G-A.
Other names: c.3435C>T, p.Thr1145= (NM_001349370.3).
Identifiers: ClinVar variation 475514 (VCV000475514.54), dbSNP rs140803915, ClinGen allele CA2363365.